The following is an entry in ClinVar:

ClinVar aggregate classification (germline): Likely pathogenic (1 of 4 stars; one submission).

Conditions:
Mitochondrial trifunctional protein deficiency. Identifiers: Orphanet 746, MedGen C1969443, MONDO:0012172.
Long chain 3-hydroxyacyl-CoA dehydrogenase deficiency. Also called: Deficiency of long-chain 3-hydroxyacyl-coenzyme A dehydrogenase; LCHAD Deficiency. Identifiers: Orphanet 5, MedGen C3711645, MONDO:0012173, OMIM 609016.

Submission:

Labcorp Genetics (formerly Invitae), Labcorp
Classification: Likely pathogenic for Mitochondrial trifunctional protein deficiency; Long chain 3-hydroxyacyl-CoA dehydrogenase deficiency. Last evaluated: 2023-05-08. Review status: criteria provided, single submitter. Criteria: Invitae Variant Classification Sherloc (09022015). Collection method: clinical testing. Allele origin: germline.
Comment: This variant has not been reported in the literature in individuals affected with HADHA-related conditions. In summary, the currently available evidence indicates that the variant is pathogenic, but additional data are needed to prove that conclusively. Therefore, this variant has been classified as Likely Pathogenic. This variant results in a copy number gain of the genomic region encompassing exon(s) 5-6 of the HADHA gene. While the exact position of this variant cannot be determined from the data, sub-genic copy number gains are generally in tandem (PMID: 25640679). This variant is predicted to be out-of-frame, and may result in an absent or disrupted protein product. Loss-of-function variants in HADHA are known to be pathogenic (PMID: 7738175, 21103935, 21549624, 22459206).

Literature cited by the submitters: PubMed 25640679; PubMed 7738175; PubMed 21103935; PubMed 21549624; PubMed 22459206.

NC_000002.11:g.(?_26455008)_(26457243_?)dup

Gene: HADHA (hydroxyacyl-CoA dehydrogenase trifunctional multienzyme complex subunit alpha; minus strand). Cytogenetic location: 2p23.3.
Variant type: Duplication.
Identifiers: ClinVar variation 2422547 (VCV002422547.9).